The following is an entry in ClinVar:

ClinVar aggregate classification (germline): Pathogenic (1 of 4 stars; one submission).

Conditions:
Familial cancer of breast. Also called: BREAST CANCER, FAMILIAL; Hereditary breast cancer; hereditary breast carcinoma. Identifiers: Orphanet 227535, MedGen C0346153, MONDO:0016419, OMIM 114480. Disease mechanism: loss of function.

Submission:

Labcorp Genetics (formerly Invitae), Labcorp
Classification: Pathogenic for Familial cancer of breast. Last evaluated: 2019-09-17. Review status: criteria provided, single submitter. Criteria: Invitae Variant Classification Sherloc (09022015). Collection method: clinical testing. Allele origin: germline.
Comment: For these reasons, this variant has been classified as Pathogenic. Loss-of-function variants in CHEK2 are known to be pathogenic (PMID: 21876083, 24713400). This variant has not been reported in the literature in individuals with CHEK2-related conditions. This variant is not present in population databases (ExAC no frequency). This sequence change creates a premature translational stop signal (p.Asn316Ilefs*4) in the CHEK2 gene. It is expected to result in an absent or disrupted protein product.

Literature cited by the submitters: PubMed 21876083; PubMed 24713400.

NM_007194.4(CHEK2):c.945del (p.Asn316fs)

Gene: CHEK2 (checkpoint kinase 2; minus strand). Cytogenetic location: 22q12.1.
Variant type: Deletion.
Coding change: c.945del on transcript NM_007194.4 (MANE Select); coding-DNA position 945, one base deleted (G; older notation c.945delG).
Protein change: p.Asn316fs; shifts the reading frame from asparagine 316.
Molecular consequence: frameshift variant.
Genome position (GRCh38, 1-based): chr22:28,699,901, C deleted on the plus strand (G on the coding strand, the reverse complement: CHEK2 is on the minus strand); the first of 4 consecutive C bases (chr22:28,699,901-28,699,904); deleting any one gives the same sequence. VCF-style (leftmost placement, unchanged base first): chr22-28699900-TC-T. GRCh37 (hg19) VCF-style: chr22-29095888-TC-T.
Other names: c.1071delG, p.Asn359Ilefs (NM_001005735.3); c.279delG, p.Asn95Ilefs (NM_001257387.3); c.741delG, p.Asn249Ilefs (NM_001349956.3); c.942delG, p.Asn316Ilefs (NM_145862.3); short protein forms N95fs, N249fs, N316fs, N359fs.
Identifiers: ClinVar variation 961262 (VCV000961262.8), dbSNP rs2052765649, ClinGen allele CA1139666354.